The following is an entry in ClinVar:

ClinVar aggregate classification (germline): Uncertain significance (1 of 4 stars; one submission).

Allele frequency attached by ClinVar (database versions not stated): gnomAD 0.00001; TOPMed 0.00001; ExAC 0.00002.

Submission:

Labcorp Genetics (formerly Invitae), Labcorp
Classification: Uncertain significance. Last evaluated: 2024-08-14. Review status: criteria provided, single submitter. Criteria: Invitae Variant Classification Sherloc (09022015). Collection method: clinical testing. Allele origin: germline.
Comment: This sequence change replaces proline, which is neutral and non-polar, with serine, which is neutral and polar, at codon 295 of the LEMD3 protein (p.Pro295Ser). This variant is present in population databases (rs753850539, gnomAD 0.003%). This variant has not been reported in the literature in individuals affected with LEMD3-related conditions. Invitae Evidence Modeling of protein sequence and biophysical properties (such as structural, functional, and spatial information, amino acid conservation, physicochemical variation, residue mobility, and thermodynamic stability) indicates that this missense variant is not expected to disrupt LEMD3 protein function with a negative predictive value of 80%. In summary, the available evidence is currently insufficient to determine the role of this variant in disease. Therefore, it has been classified as a Variant of Uncertain Significance.

NM_014319.5(LEMD3):c.883C>T (p.Pro295Ser)

Gene: LEMD3 (LEM domain containing 3; plus strand). Cytogenetic location: 12q14.3.
Variant type: single nucleotide variant.
Coding change: c.883C>T on transcript NM_014319.5 (MANE Select); coding-DNA position 883, C replaced by T.
Protein change: p.Pro295Ser; replaces proline 295 with serine.
Molecular consequence: missense variant.
Genome position (GRCh38, 1-based): chr12:65,170,479, C>T. VCF-style: chr12-65170479-C-T. GRCh37 (hg19) VCF-style: chr12-65564259-C-T.
Other names: c.883C>T, p.Pro295Ser (NM_001167614.2); short protein forms P295S.
Identifiers: ClinVar variation 2883435 (VCV002883435.3), dbSNP rs753850539, ClinGen allele CA6670788.
Genomic context (GRCh38, chr12:65,170,479, plus strand): 5'-GTATTAAAGGACGACTCCCTTTCCCGGCATCGGCCCAGACGAACCCATAGTAAGCCTCTC[C>T]CCCCGCTGACTGCTAAATCGGCCGGCGGCAGGCTGGAGACTTCAGTTCAGGGAGGGGGAG-3'
Protein context (NP_055134.2, residues 285-305): RPRRTHSKPL[Pro295Ser]PLTAKSAGGR